The following is an entry in ClinVar:

NM_001105206.3(LAMA4):c.3763G>A (p.Asp1255Asn)

Gene: LAMA4 (laminin subunit alpha 4; minus strand). Cytogenetic location: 6q21.
Variant type: single nucleotide variant.
Coding change: c.3763G>A on transcript NM_001105206.3 (MANE Select); coding-DNA position 3763, G replaced by A.
Protein change: p.Asp1255Asn; replaces aspartic acid 1255 with asparagine.
Molecular consequence: missense variant.
Genome position (GRCh38, 1-based): chr6:112,132,824, C>T on the plus strand (G>A on the coding strand, the complement: LAMA4 is on the minus strand). VCF-style: chr6-112132824-C-T. GRCh37 (hg19) VCF-style: chr6-112454026-C-T.
Other names: c.3742G>A, p.Asp1248Asn (NM_001105207.3, NM_002290.5); short protein forms D1248N, D1255N.
Identifiers: ClinVar variation 2123990 (VCV002123990.4), dbSNP rs2547003033, ClinGen allele CA365375023.
Genomic context (GRCh38, chr6:112,132,824, plus strand): 5'-AATAGAATAGTAACCCATTTGGTTGTAATGTTCGGAAATTAAAACCTCCTTCAAAGCCAT[C>T]AAAGAAAGATATTTTCTGAATTGAAGCAATGAAGCTCTGTCCATTGAAATATGCTCTGCG-3'
Protein context (NP_001098676.2, residues 1245-1265): IASIQKISFF[Asp1255Asn]GFEGGFNFRT

ClinVar aggregate classification (germline): Uncertain significance (1 of 4 stars; one submission).

Conditions:
Dilated cardiomyopathy 1JJ (CMD1JJ). Identifiers: Orphanet 154, MedGen C3808935, MONDO:0014095, OMIM 615235.

Submission:

Labcorp Genetics (formerly Invitae), Labcorp
Classification: Uncertain significance for Dilated cardiomyopathy 1JJ. Last evaluated: 2022-04-18. Review status: criteria provided, single submitter. Criteria: Invitae Variant Classification Sherloc (09022015). Collection method: clinical testing. Allele origin: germline.
Comment: In summary, the available evidence is currently insufficient to determine the role of this variant in disease. Therefore, it has been classified as a Variant of Uncertain Significance. Algorithms developed to predict the effect of missense changes on protein structure and function (SIFT, PolyPhen-2, Align-GVGD) all suggest that this variant is likely to be tolerated. This variant has not been reported in the literature in individuals affected with LAMA4-related conditions. This variant is not present in population databases (gnomAD no frequency). This sequence change replaces aspartic acid, which is acidic and polar, with asparagine, which is neutral and polar, at codon 1248 of the LAMA4 protein (p.Asp1248Asn).